The following is an entry in ClinVar:

ClinVar aggregate classification (germline): Uncertain significance (1 of 4 stars; one submission).

Conditions:
Deficiency of hydroxymethylglutaryl-CoA lyase (HMGCLD). Also called: HMGCL DEFICIENCY; HYDROXYMETHYLGLUTARIC ACIDURIA; Defect in leucine metabolism; 3-hydroxy-3-methylglutaric aciduria; HMG-CoA LYASE DEFICIENCY. Identifiers: Orphanet 20, MedGen C1533587, MONDO:0009520, OMIM 246450.

Submission:

Myriad Genetics, Inc.
Classification: Uncertain significance for Deficiency of hydroxymethylglutaryl-CoA lyase. Last evaluated: 2026-02-23. Review status: criteria provided, single submitter. Criteria: Myriad Autosomal Dominant, Autosomal Recessive and X-Linked Classification Criteria (2023). Collection method: clinical testing. Allele origin: unknown.
Comment: NM_000191.2(HMGCL):c.35T>C(L12P) is a missense variant classified as a variant of uncertain significance in the context of HMG-CoA lyase deficiency. L12P has not been observed in cases with relevant disease. Relevant functional assessments of this variant are not available in the literature. L12P has not been observed in referenced population frequency databases. In summary, there is insufficient evidence to classify NM_000191.2(HMGCL):c.35T>C(L12P) as pathogenic or benign. Please note: this variant was assessed in the context of healthy population screening.

NM_000191.3(HMGCL):c.35T>C (p.Leu12Pro)

Gene: HMGCL (3-hydroxy-3-methylglutaryl-CoA lyase; minus strand). Cytogenetic location: 1p36.11.
Variant type: single nucleotide variant.
Coding change: c.35T>C on transcript NM_000191.3 (MANE Select); coding-DNA position 35, T replaced by C.
Protein change: p.Leu12Pro; replaces leucine 12 with proline.
Molecular consequence: missense variant.
Genome position (GRCh38, 1-based): chr1:23,825,381, A>G on the plus strand (T>C on the coding strand, the complement: HMGCL is on the minus strand). VCF-style: chr1-23825381-A-G. GRCh37 (hg19) VCF-style: chr1-24151871-A-G.
Other names: c.35T>C, p.Leu12Pro (NM_001166059.2); short protein forms L12P.
Identifiers: ClinVar variation 5003481 (VCV005003481.1).